The following is an entry in ClinVar:

ClinVar aggregate classification (germline): Conflicting classifications of pathogenicity. Review status: criteria provided, conflicting classifications (1 of 4 stars). 2 submissions from 2 submitters: Uncertain significance (1); Likely benign (1). Last evaluated 2025-02-16.

Conditions:
FASLG-related disorder. Also called: FASLG-related condition.
Autoimmune lymphoproliferative syndrome type 1. Also called: AUTOIMMUNE LYMPHOPROLIFERATIVE SYNDROME, TYPE I, AUTOSOMAL DOMINANT. Identifiers: Orphanet 3261, MedGen C2717884, MONDO:0011158, OMIM 601859.

Allele frequency attached by ClinVar (database versions not stated): gnomAD 0.00006 and 0.00007; gnomAD exomes 0.00006 and 0.00013; TOPMed 0.00009; ExAC 0.00013; 1000 Genomes Project 0.00040; 1000 Genomes Project 30x 0.00047.
gnomAD v4.1: 94 of 1,610,528 alleles (0.0058%); highest among the groups gnomAD compares: East Asian, 0.045%; no homozygotes.

Submissions (2):

Labcorp Genetics (formerly Invitae), Labcorp
Classification: Uncertain significance for Autoimmune lymphoproliferative syndrome. Last evaluated: 2025-02-16. Review status: criteria provided, single submitter. Criteria: Invitae Variant Classification Sherloc (09022015). Collection method: clinical testing. Allele origin: germline.
Comment: This sequence change replaces proline, which is neutral and non-polar, with leucine, which is neutral and non-polar, at codon 58 of the FASLG protein (p.Pro58Leu). This variant is present in population databases (rs558758285, gnomAD 0.1%). This variant has not been reported in the literature in individuals affected with FASLG-related conditions. ClinVar contains an entry for this variant (Variation ID: 934714). An algorithm developed to predict the effect of missense changes on protein structure and function outputs the following: PolyPhen-2: "Benign". The leucine amino acid residue is found in multiple mammalian species, which suggests that this missense change does not adversely affect protein function. In summary, the available evidence is currently insufficient to determine the role of this variant in disease. Therefore, it has been classified as a Variant of Uncertain Significance.

PreventionGenetics, part of Exact Sciences
Classification: Likely benign for FASLG-related condition. Last evaluated: 2024-12-07. Review status: criteria provided, single submitter. Criteria: ACMG Guidelines, 2015. Collection method: clinical testing. Allele origin: germline.
Comment: This variant is classified as likely benign based on ACMG/AMP sequence variant interpretation guidelines (Richards et al. 2015 PMID: 25741868, with internal and published modifications).

NM_000639.3(FASLG):c.173C>T (p.Pro58Leu)

Gene: FASLG (Fas ligand; plus strand). Cytogenetic location: 1q24.3.
Variant type: single nucleotide variant.
Coding change: c.173C>T on transcript NM_000639.3 (MANE Select); coding-DNA position 173, C replaced by T.
Protein change: p.Pro58Leu; replaces proline 58 with leucine.
Molecular consequence: missense variant.
Genome position (GRCh38, 1-based): chr1:172,659,374, C>T. VCF-style: chr1-172659374-C-T. GRCh37 (hg19) VCF-style: chr1-172628514-C-T.
Other names: c.173C>T, p.Pro58Leu (NM_001302746.2); short protein forms P58L.
Identifiers: ClinVar variation 934714 (VCV000934714.6), dbSNP rs558758285, ClinGen allele CA1247467.
Genomic context (GRCh38, chr1:172,659,374, plus strand): 5'-GAAGGCCTGGTCAAAGGAGGCCACCACCACCACCGCCACCGCCACCACTACCACCTCCGC[C>T]GCCGCCGCCACCACTGCCTCCACTACCGCTGCCACCCCTGAAGAAGAGAGGGAACCACAG-3'
Protein context (NP_000630.1, residues 48-68): PPPPPPLPPP[Pro58Leu]PPPPLPPLPL